The following is an entry in ClinVar:

ClinVar aggregate classification (germline): Uncertain significance. Review status: criteria provided, multiple submitters, no conflicts (2 of 4 stars). 2 submissions from 2 submitters: Uncertain significance (2). Last evaluated 2022-09-27.

Conditions:
Autosomal recessive inherited pseudoxanthoma elasticum (PXE). Identifiers: Orphanet 758, MedGen CN032334, MONDO:0009925, OMIM 264800.

Allele frequency attached by ClinVar (database versions not stated): TOPMed 0.00002.
gnomAD v4.1: 21 of 1,611,422 alleles (0.0013%); highest among the groups gnomAD compares: East Asian, 0.045%; no homozygotes.

Submissions (2):

Labcorp Genetics (formerly Invitae), Labcorp
Classification: Uncertain significance. Last evaluated: 2022-09-27. Review status: criteria provided, single submitter. Criteria: Invitae Variant Classification Sherloc (09022015). Collection method: clinical testing. Allele origin: germline.
Comment: This sequence change replaces glutamine, which is neutral and polar, with histidine, which is basic and polar, at codon 981 of the ABCC6 protein (p.Gln981His). This variant is present in population databases (rs368465318, gnomAD 0.07%). This missense change has been observed in individual(s) with pseudoxanthoma elasticum (PMID: 18157818). ClinVar contains an entry for this variant (Variation ID: 433434). Advanced modeling of protein sequence and biophysical properties (such as structural, functional, and spatial information, amino acid conservation, physicochemical variation, residue mobility, and thermodynamic stability) has been performed at Invitae for this missense variant, however the output from this modeling did not meet the statistical confidence thresholds required to predict the impact of this variant on ABCC6 protein function. In summary, the available evidence is currently insufficient to determine the role of this variant in disease. Therefore, it has been classified as a Variant of Uncertain Significance.

PXE International
Classification: Uncertain significance for Autosomal recessive inherited pseudoxanthoma elasticum. Last evaluated: 2021-02-16. Review status: criteria provided, single submitter. Criteria: Submitter's publication. Collection method: research. Allele origin: germline. Inheritance: Autosomal recessive inheritance. Affected: yes.

Literature cited by the submitters: PubMed 18157818 (cited by Labcorp Genetics (formerly Invitae), Labcorp); PubMed 32873932 (cited by PXE International).

NM_001171.6(ABCC6):c.2943G>T (p.Gln981His)

Gene: ABCC6 (ATP binding cassette subfamily C member 6; minus strand). Cytogenetic location: 16p13.11.
Variant type: single nucleotide variant.
Coding change: c.2943G>T on transcript NM_001171.6 (MANE Select); coding-DNA position 2943, G replaced by T.
Protein change: p.Gln981His; replaces glutamine 981 with histidine.
Molecular consequence: missense variant. On other transcripts: non-coding transcript variant (1).
Genome position (GRCh38, 1-based): chr16:16,169,698, C>A on the plus strand (G>T on the coding strand, the complement: ABCC6 is on the minus strand). VCF-style: chr16-16169698-C-A. GRCh37 (hg19) VCF-style: chr16-16263555-C-A.
Other names: c.2601G>T, p.Gln867His (NM_001351800.1); short protein forms Q981H, Q867H.
Identifiers: ClinVar variation 433434 (VCV000433434.6), dbSNP rs368465318, ClinGen allele CA7925740.
Genomic context (GRCh38, chr16:16,169,698, plus strand): 5'-AGGCGTACCTTGGAGACAGCCGAGGAGCCCGAAGATCCCGCCACGCAGGGCTGCCTGCGT[C>A]TGCTGCCCACCTACTGCAGGGTCGTCCGCCCACAGGCTCAGCCAGTAGCCCCGGCAGAAG-3'
Protein context (NP_001162.5, residues 971-991): WADDPAVGGQ[Gln981His]TQAALRGGIF